The following is an entry in ClinVar:

ClinVar aggregate classification (germline): Benign. Review status: criteria provided, multiple submitters, no conflicts (2 of 4 stars). 9 submissions from 7 submitters: Benign (7). 2 of the submissions do not count toward it. Last evaluated 2026-01-31.

Conditions:
Hypertrophic cardiomyopathy 2. Also called: TNNT2-Related Familial Hypertrophic Cardiomyopathy. Identifiers: MedGen C1861864, MONDO:0007266, OMIM 115195.
Cardiomyopathy, familial restrictive, 3. Identifiers: Orphanet 75249, MedGen C2676271, MONDO:0012900, OMIM 612422.
Dilated cardiomyopathy 1D. Identifiers: Orphanet 154, Orphanet 54260, MedGen C1832243, MONDO:0011095, OMIM 601494.

Allele frequency attached by ClinVar (database versions not stated): gnomAD 0.21813 and 0.22049; TOPMed 0.22860; 1000 Genomes Project 0.27796; 1000 Genomes Project 30x 0.27842.
gnomAD v4.1: 121,670 of 856,660 alleles (14%); highest among the groups gnomAD compares: African/African-American, 47%; 13,285 homozygotes.

Submissions (9):

Labcorp Genetics (formerly Invitae), Labcorp
Classification: Benign for Cardiomyopathy, familial restrictive, 3; Hypertrophic cardiomyopathy 2; Dilated cardiomyopathy 1D. Last evaluated: 2026-01-31. Review status: criteria provided, single submitter. Criteria: Invitae Variant Classification Sherloc (09022015). Collection method: clinical testing. Allele origin: germline.

Genome-Nilou Lab
Classification: Benign for Dilated cardiomyopathy 1D. Last evaluated: 2023-04-11. Review status: criteria provided, single submitter. Criteria: ACMG Guidelines, 2015. Collection method: clinical testing. Allele origin: germline. Affected: no.

Genome-Nilou Lab
Classification: Benign for Cardiomyopathy, familial restrictive, 3. Last evaluated: 2023-04-11. Review status: criteria provided, single submitter. Criteria: ACMG Guidelines, 2015. Collection method: clinical testing. Allele origin: germline. Affected: no.

Genome-Nilou Lab
Classification: Benign for Hypertrophic cardiomyopathy 2. Last evaluated: 2023-04-11. Review status: criteria provided, single submitter. Criteria: ACMG Guidelines, 2015. Collection method: clinical testing. Allele origin: germline. Affected: no.

ARUP Laboratories, Molecular Genetics and Genomics, ARUP Laboratories
Classification: Benign. Last evaluated: 2022-06-30. Review status: criteria provided, single submitter. Criteria: ARUP Molecular Germline Variant Investigation Process 2021. Collection method: clinical testing. Allele origin: germline.

GeneDx
Classification: Benign. Last evaluated: 2018-06-16. Review status: criteria provided, single submitter. Criteria: GeneDx Variant Classification (06012015). Collection method: clinical testing. Allele origin: germline. Affected: yes.
Comment: This variant is considered likely benign or benign based on one or more of the following criteria: it is a conservative change, it occurs at a poorly conserved position in the protein, it is predicted to be benign by multiple in silico algorithms, and/or has population frequency not consistent with disease.

Breakthrough Genomics
Classification: Benign. Review status: criteria provided, single submitter. Criteria: ACMG Guidelines, 2015. Collection method: not provided. Allele origin: germline. Inheritance: Autosomal dominant inheritance. Affected: yes.

Genome Diagnostics Laboratory, University Medical Center Utrecht
Classification: Benign. Review status: no assertion criteria provided. Collection method: clinical testing. Allele origin: germline. Affected: yes. Study: VKGL Data-share Consensus. Not counted in ClinVar's aggregate classification.

Joint Genome Diagnostic Labs from Nijmegen and Maastricht, Radboudumc and MUMC+
Classification: Benign. Review status: no assertion criteria provided. Collection method: clinical testing. Allele origin: germline. Affected: yes. Study: VKGL Data-share Consensus. Not counted in ClinVar's aggregate classification.

NM_001276345.2(TNNT2):c.811-122C>G

Gene: TNNT2 (troponin T2, cardiac type; minus strand). Cytogenetic location: 1q32.1.
Variant type: single nucleotide variant.
Coding change: c.811-122C>G on transcript NM_001276345.2 (MANE Select); 122 bases into the intron before coding-DNA position 811, C replaced by G.
Molecular consequence: intron variant.
Genome position (GRCh38, 1-based): chr1:201,359,785, G>C on the plus strand (C>G on the coding strand, the complement: TNNT2 is on the minus strand). VCF-style: chr1-201359785-G-C. GRCh37 (hg19) VCF-style: chr1-201328913-G-C.
Other names: c.763-122C>G (NM_001001432.3); c.772-122C>G (NM_001001431.3); c.781-122C>G (NM_001001430.3, NM_001276347.2); c.682-122C>G (NM_001276346.2); c.802-122C>G (NM_000364.4).
Identifiers: ClinVar variation 671265 (VCV000671265.27), dbSNP rs45509695, ClinGen allele CA10991813.